The following is an entry in ClinVar:

ClinVar aggregate classification (germline): Benign/Likely benign. Review status: criteria provided, multiple submitters, no conflicts (2 of 4 stars). 10 submissions from 9 submitters: Benign (5); Likely benign (5). Last evaluated 2026-01-28.

Conditions:
RYR1-related disorder. Also called: RYR1-related condition; RYR1-related disorders. Identifiers: MedGen CN239331.
Congenital multicore myopathy with external ophthalmoplegia (CMYO1B). Also called: Congenital myopathy 1B, autosomal recessive; Minicore myopathy; Minicore myopathy with external ophthalmoplegia; MULTICORE MYOPATHY; MULTIMINICORE DISEASE WITH EXTERNAL OPHTHALMOPLEGIA. Identifiers: Orphanet 598, Orphanet 98905, MedGen C1850674, MONDO:0009712, OMIM 255320, HP:0003789.
Malignant hyperthermia, susceptibility to, 1 (MHS1). Also called: Anesthesia related hyperthermia; Malignant hyperpyrexia; Fulminating hyperpyrexia; Pharmacogenic myopathy; Malignant hyperthermia suceptibility 1; RYR1-Related Malignant Hyperthermia Susceptibility. Identifiers: Orphanet 423, MedGen C2930980, MONDO:0007783, OMIM 145600.

Allele frequency attached by ClinVar (database versions not stated): gnomAD exomes 0.00286; ExAC 0.00321; gnomAD 0.00574 and 0.00599; 1000 Genomes Project 30x 0.00578; 1000 Genomes Project 0.00579; TOPMed 0.00624; ESP Exome Variant Server 0.00631.
gnomAD v4.1: 4,110 of 1,612,800 alleles (0.25%); highest among the groups gnomAD compares: African/African-American, 1.7%; 18 homozygotes.

Submissions (10):

Labcorp Genetics (formerly Invitae), Labcorp
Classification: Benign for RYR1-related disorder. Last evaluated: 2026-01-28. Review status: criteria provided, single submitter. Criteria: Invitae Variant Classification Sherloc (09022015). Collection method: clinical testing. Allele origin: germline.

Mayo Clinic Laboratories, Mayo Clinic
Classification: Benign. Last evaluated: 2025-01-02. Review status: criteria provided, single submitter. Criteria: ACMG Guidelines, 2015. Collection method: clinical testing. Allele origin: germline. Observed: 8 variant alleles.
Comment: BA1, BP4, BP7

Blueprint Genetics
Classification: Likely benign. Last evaluated: 2024-11-26. Review status: criteria provided, single submitter. Criteria: ACMG Guidelines, 2015. Collection method: clinical testing. Allele origin: germline.

Color Diagnostics, LLC DBA Color Health
Classification: Benign for Malignant hyperthermia, susceptibility to, 1. Last evaluated: 2022-08-16. Review status: criteria provided, single submitter. Criteria: ACMG Guidelines, 2015. Collection method: clinical testing. Allele origin: germline.

PreventionGenetics, part of Exact Sciences
Classification: Benign. Last evaluated: 2018-04-02. Review status: criteria provided, single submitter. Criteria: ACMG Guidelines, 2015. Collection method: clinical testing. Allele origin: germline.

GeneDx
Classification: Likely benign. Last evaluated: 2017-11-09. Review status: criteria provided, single submitter. Criteria: GeneDx Variant Classification (06012015). Collection method: clinical testing. Allele origin: germline. Affected: yes.
Comment: This variant is considered likely benign or benign based on one or more of the following criteria: it is a conservative change, it occurs at a poorly conserved position in the protein, it is predicted to be benign by multiple in silico algorithms, and/or has population frequency not consistent with disease.

Illumina Laboratory Services, Illumina
Classification: Likely benign for Malignant hyperthermia, susceptibility to, 1. Last evaluated: 2017-04-27. Review status: criteria provided, single submitter. Criteria: ICSL Variant Classification Criteria 13 December 2019. Collection method: clinical testing. Allele origin: germline.
Comment: This variant was observed as part of a predisposition screen in an ostensibly healthy population. A literature search was performed for the gene, cDNA change, and amino acid change (where applicable). Publications were found based on this search. The evidence from the literature, in combination with allele frequency data from public databases where available, was sufficient to determine this variant is unlikely to cause disease. Therefore, this variant is classified as likely benign.

Illumina Laboratory Services, Illumina
Classification: Likely benign for Congenital multicore myopathy with external ophthalmoplegia. Last evaluated: 2017-04-27. Review status: criteria provided, single submitter. Criteria: ICSL Variant Classification Criteria 13 December 2019. Collection method: clinical testing. Allele origin: germline.
Comment: This variant was observed as part of a predisposition screen in an ostensibly healthy population. A literature search was performed for the gene, cDNA change, and amino acid change (where applicable). No publications were found based on this search. Allele frequency data from public databases allowed determination this variant is unlikely to cause disease. Therefore, this variant is classified as likely benign.

Eurofins Ntd Llc (ga)
Classification: Benign. Last evaluated: 2013-07-31. Review status: criteria provided, single submitter. Criteria: EGL Classification Definitions 2015. Collection method: clinical testing. Allele origin: germline. Observed: 3 variant alleles, 3 heterozygotes.

Breakthrough Genomics
Classification: Likely benign. Review status: criteria provided, single submitter. Criteria: ACMG Guidelines, 2015. Collection method: not provided. Allele origin: germline. Inheritance: Autosomal recessive inheritance. Affected: yes.

Literature cited by the submitters: PubMed 19191333 (cited by Illumina Laboratory Services, Illumina).

NM_000540.3(RYR1):c.6384C>T (p.Tyr2128=)

Gene: RYR1 (ryanodine receptor 1; plus strand). Cytogenetic location: 19q13.2.
Variant type: single nucleotide variant.
Coding change: c.6384C>T on transcript NM_000540.3 (MANE Select); coding-DNA position 6384, C replaced by T.
Protein change: p.Tyr2128=; no amino-acid change (tyrosine 2128 retained).
Molecular consequence: synonymous variant.
Genome position (GRCh38, 1-based): chr19:38,494,461, C>T. VCF-style: chr19-38494461-C-T. GRCh37 (hg19) VCF-style: chr19-38985101-C-T.
Other names: p.Tyr2128=; c.6384C>T, p.Tyr2128= (NM_001042723.2).
Identifiers: ClinVar variation 93281 (VCV000093281.24), dbSNP rs75181912, ClinGen allele CA024572.